The following is an entry in ClinVar:

ClinVar aggregate classification (germline): Uncertain significance (1 of 4 stars; one submission).

Submission:

Labcorp Genetics (formerly Invitae), Labcorp
Classification: Uncertain significance. Last evaluated: 2025-09-02. Review status: criteria provided, single submitter. Criteria: Invitae Variant Classification Sherloc (09022015). Collection method: clinical testing. Allele origin: germline.
Comment: This sequence change replaces proline, which is neutral and non-polar, with serine, which is neutral and polar, at codon 203 of the CTU2 protein (p.Pro203Ser). This variant is not present in population databases (gnomAD no frequency). This variant has not been reported in the literature in individuals affected with CTU2-related conditions. ClinVar contains an entry for this variant (Variation ID: 2073326). An algorithm developed to predict the effect of missense changes on protein structure and function outputs the following: PolyPhen-2: "Benign". The serine amino acid residue is found in multiple mammalian species, which suggests that this missense change does not adversely affect protein function. In summary, the available evidence is currently insufficient to determine the role of this variant in disease. Therefore, it has been classified as a Variant of Uncertain Significance.

NM_001012759.3(CTU2):c.607C>T (p.Pro203Ser)

Gene: CTU2 (cytosolic thiouridylase subunit 2; plus strand). Cytogenetic location: 16q24.3.
Variant type: single nucleotide variant.
Coding change: c.607C>T on transcript NM_001012759.3 (MANE Select); coding-DNA position 607, C replaced by T.
Protein change: p.Pro203Ser; replaces proline 203 with serine.
Molecular consequence: missense variant.
Genome position (GRCh38, 1-based): chr16:88,712,775, C>T. VCF-style: chr16-88712775-C-T. GRCh37 (hg19) VCF-style: chr16-88779183-C-T.
Other names: c.607C>T, p.Pro203Ser (NM_001012762.3); c.820C>T, p.Pro274Ser (NM_001318507.2); c.346C>T, p.Pro116Ser (NM_001318513.2); short protein forms P203S, P274S, P116S.
Identifiers: ClinVar variation 2073326 (VCV002073326.4), dbSNP rs1188754409, ClinGen allele CA397062950.